The following is an entry in ClinVar:

NM_001371533.1(FUT8):c.1506G>A (p.Gln502=)

Gene: FUT8 (fucosyltransferase 8; plus strand). Cytogenetic location: 14q23.3.
Variant type: single nucleotide variant.
Coding change: c.1506G>A on transcript NM_001371533.1 (MANE Select); coding-DNA position 1506, G replaced by A.
Protein change: p.Gln502=; no amino-acid change (glutamine 502 retained).
Molecular consequence: synonymous variant. On other transcripts: non-coding transcript variant (1).
Genome position (GRCh38, 1-based): chr14:65,742,188, G>A. VCF-style: chr14-65742188-G-A. GRCh37 (hg19) VCF-style: chr14-66208906-G-A.
Other names: c.1506G>A, p.Gln502= (NM_001371534.1, NM_178155.3, NM_178156.2); c.1608G>A, p.Gln536= (NM_001371536.1); c.1017G>A, p.Gln339= (NM_004480.4).
Identifiers: ClinVar variation 3053899 (VCV003053899.3), dbSNP rs368942174, ClinGen allele CA7233465.
Genomic context (GRCh38, chr14:65,742,188, plus strand): 5'-ACATCCTGATGCCTCTGCAAACTTCCATTCTTTAGATGACATCTACTATTTTGGGGGCCA[G>A]AATGCCCACAATCAAATTGCCATTTATGCTCACCAACCCCGAACTGCAGATGAAATTCCC-3'
Protein context (NP_001358462.1, residues 492-512): SLDDIYYFGG[Gln502=]NAHNQIAIYA

ClinVar aggregate classification (germline): Likely benign. Review status: criteria provided, single submitter (1 of 4 stars). 2 submissions from 2 submitters: Likely benign (1). 1 of the submissions does not count toward it. Last evaluated 2024-06-07.

Conditions:
FUT8-related disorder. Also called: FUT8-related condition.

Allele frequency attached by ClinVar (database versions not stated): gnomAD 0.00001; gnomAD exomes 0.00001; TOPMed 0.00001; ExAC 0.00002; ESP Exome Variant Server 0.00008.
gnomAD v4.1: 8 of 1,613,002 alleles (0.0005%); highest among the groups gnomAD compares: Non-Finnish European, 0.00068%; no homozygotes.

Submissions (2):

Blueprint Genetics
Classification: Likely benign. Last evaluated: 2024-06-07. Review status: criteria provided, single submitter. Criteria: ACMG Guidelines, 2015. Collection method: clinical testing. Allele origin: germline.

PreventionGenetics, part of Exact Sciences
Classification: Likely benign for FUT8-related condition. Last evaluated: 2020-04-13. Review status: no assertion criteria provided. Collection method: clinical testing. Allele origin: germline. Not counted in ClinVar's aggregate classification.
Comment: This variant is classified as likely benign based on ACMG/AMP sequence variant interpretation guidelines (Richards et al. 2015 PMID: 25741868, with internal and published modifications).